The following is an entry in ClinVar:

ClinVar aggregate classification (germline): Benign/Likely benign. Review status: criteria provided, multiple submitters, no conflicts (2 of 4 stars). 19 submissions from 18 submitters: Benign (12); Likely benign (5). 2 of the submissions do not count toward it. Last evaluated 2026-05-11.

Conditions:
Hereditary cancer-predisposing syndrome. Also called: Hereditary Cancer Syndrome; Tumor predisposition; Neoplastic Syndromes, Hereditary; Hereditary neoplastic syndrome. Identifiers: Orphanet 140162, MedGen C0027672, MeSH D009386, MONDO:0015356.
Tuberous sclerosis syndrome (TSC). Also called: Tuberous Sclerosis Complex; Tuberous sclerosis. Identifiers: Orphanet 805, MedGen C0041341, MONDO:0001734.
Isolated focal cortical dysplasia type II (FCORD2). Also called: CORTICAL DYSPLASIA OF TAYLOR; Focal cortical dysplasia type II. Identifiers: Orphanet 268994, MedGen C1846385, MONDO:0011818, OMIM 607341, HP:0032051.
Tuberous sclerosis 1 (TSC1). Identifiers: Orphanet 805, MedGen C1854465, MONDO:0008612, OMIM 191100.

Allele frequency attached by ClinVar (database versions not stated): ESP Exome Variant Server 0.00023; gnomAD 0.00036 and 0.00038; TOPMed 0.00048; gnomAD exomes 0.00072; ExAC 0.00073; 1000 Genomes Project 0.00140; 1000 Genomes Project 30x 0.00141.
gnomAD v4.1: 552 of 1,614,178 alleles (0.034%); highest among the groups gnomAD compares: East Asian, 0.4%; 4 homozygotes.

Submissions (19):

Myriad Genetics, Inc.
Classification: Benign for Tuberous sclerosis 1. Last evaluated: 2026-05-11. Review status: criteria provided, single submitter. Criteria: Myriad Autosomal Dominant, Autosomal Recessive and X-Linked Classification Criteria (2023). Collection method: clinical testing. Allele origin: unknown.
Comment: This variant is considered benign. This variant has been observed at a population frequency that is significantly greater than expected given the associated disease prevalence and penetrance. Homozygosity has been confirmed in one or more individuals. As homozygosity for pathogenic variants in this gene is generally assumed to result in embryonic lethality, this variant is unlikely to be pathogenic.

Labcorp Genetics (formerly Invitae), Labcorp
Classification: Benign for Tuberous sclerosis 1. Last evaluated: 2026-02-04. Review status: criteria provided, single submitter. Criteria: Invitae Variant Classification Sherloc (09022015). Collection method: clinical testing. Allele origin: germline.

CeGaT Center for Human Genetics Tuebingen
Classification: Likely benign. Last evaluated: 2025-12-01. Review status: criteria provided, single submitter. Criteria: CeGaT Center For Human Genetics Tuebingen Variant Classification Criteria Version 2. Collection method: clinical testing. Allele origin: germline. Affected: yes. Observed: 19 variant alleles.
Comment: TSC1: PP2, BP4, BS1

KCCC/NGS Laboratory, Kuwait Cancer Control Center
Classification: Benign for Tuberous sclerosis 1. Last evaluated: 2025-02-01. Review status: criteria provided, single submitter. Criteria: ACMG Guidelines, 2015. Collection method: clinical testing. Allele origin: germline. Affected: no.

Blueprint Genetics
Classification: Likely benign. Last evaluated: 2024-11-22. Review status: criteria provided, single submitter. Criteria: ACMG Guidelines, 2015. Collection method: clinical testing. Allele origin: germline.

Quest Diagnostics Nichols Institute San Juan Capistrano
Classification: Benign. Last evaluated: 2022-10-08. Review status: criteria provided, single submitter. Criteria: Quest Diagnostics criteria. Collection method: clinical testing. Allele origin: unknown.
Comment: The frequency of this variant in the general population is higher than would generally be expected for pathogenic variants in this gene. Computational tools predict this amino acid change may be benign. This variant has been seen where an alternate explanation for disease was also identified.

Color Diagnostics, LLC DBA Color Health
Classification: Benign for Tuberous sclerosis syndrome. Last evaluated: 2022-05-17. Review status: criteria provided, single submitter. Criteria: ACMG Guidelines, 2015. Collection method: clinical testing. Allele origin: germline.

Genome-Nilou Lab
Classification: Benign for Tuberous sclerosis 1. Last evaluated: 2021-11-07. Review status: criteria provided, single submitter. Criteria: ACMG Guidelines, 2015. Collection method: clinical testing. Allele origin: germline. Affected: no.

Women's Health and Genetics/Laboratory Corporation of America, LabCorp
Classification: Benign. Last evaluated: 2021-01-30. Review status: criteria provided, single submitter. Criteria: LabCorp Variant Classification Summary - May 2015. Collection method: clinical testing. Allele origin: germline.
Comment: Variant summary: TSC1 c.250G>A (p.Ala84Thr) results in a non-conservative amino acid change in the encoded protein sequence. Four of five in-silico tools predict a benign effect of the variant on protein function. The variant allele was found at a frequency of 0.00072 in 250968 control chromosomes in the gnomAD database, including 2 homozygotes. The observed variant frequency is approximately 29 fold of the estimated maximal expected allele frequency for a pathogenic variant in TSC1 causing Tuberous Sclerosis Complex phenotype (2.5e-05), strongly suggesting that the variant is benign. To our knowledge, no occurrence of c.250G>A in individuals affected with Tuberous Sclerosis Complex has been reported. At least one publication reports experimental evidence evaluating an impact on protein function (example, Hoogeveen-Westerveld_2011). These results showed no damaging effect of this variant on both the formation and activity of the TSC1-TSC2 complex in an experimental system using immunoblotting followed by infrared scanner based detection. Five clinical diagnostic laboratories have submitted clinical-significance assessments for this variant to ClinVar after 2014 without evidence for independent evaluation. All laboratories classified the variant as benign/likely benign. Based on the evidence outlined above, the variant was classified as benign.

Sema4
Classification: Benign for Hereditary cancer-predisposing syndrome. Last evaluated: 2020-07-21. Review status: criteria provided, single submitter. Criteria: Sema4 Curation Guidelines. Collection method: curation. Allele origin: germline.

Ambry Genetics
Classification: Likely benign for Hereditary cancer-predisposing syndrome. Last evaluated: 2018-10-05. Review status: criteria provided, single submitter. Criteria: Ambry Variant Classification Scheme 2023. Collection method: clinical testing. Allele origin: germline.

Illumina Laboratory Services, Illumina
Classification: Benign for Isolated focal cortical dysplasia type II. Last evaluated: 2018-01-13. Review status: criteria provided, single submitter. Criteria: ICSL Variant Classification Criteria 13 December 2019. Collection method: clinical testing. Allele origin: germline.
Comment: This variant was observed in the ICSL laboratory as part of a predisposition screen in an ostensibly healthy population. It had not been previously curated by ICSL or reported in the Human Gene Mutation Database (HGMD: prior to June 1st, 2018), and was therefore a candidate for classification through an automated scoring system. Utilizing variant allele frequency, disease prevalence and penetrance estimates, and inheritance mode, an automated score was calculated to assess if this variant is too frequent to cause the disease. Based on the score and internal cut-off values, a variant classified as benign is not then subjected to further curation. The score for this variant resulted in a classification of benign for this disease.

Illumina Laboratory Services, Illumina
Classification: Benign for Tuberous sclerosis 1. Last evaluated: 2018-01-13. Review status: criteria provided, single submitter. Criteria: ICSL Variant Classification Criteria 13 December 2019. Collection method: clinical testing. Allele origin: germline.
Comment: the same text as in the submission from Illumina Laboratory Services, Illumina above.

GeneDx
Classification: Benign. Last evaluated: 2015-04-03. Review status: criteria provided, single submitter. Criteria: GeneDx Variant Classification (06012015). Collection method: clinical testing. Allele origin: germline. Affected: yes.
Comment: This variant is considered likely benign or benign based on one or more of the following criteria: it is a conservative change, it occurs at a poorly conserved position in the protein, it is predicted to be benign by multiple in silico algorithms, and/or has population frequency not consistent with disease.

Eurofins Ntd Llc (ga)
Classification: Benign. Last evaluated: 2015-03-19. Review status: criteria provided, single submitter. Criteria: EGL Classification Definitions 2015. Collection method: clinical testing. Allele origin: germline. Observed: 1 variant allele, 1 heterozygote.

Breakthrough Genomics
Classification: Likely benign. Review status: criteria provided, single submitter. Criteria: ACMG Guidelines, 2015. Collection method: not provided. Allele origin: germline. Inheritance: Autosomal dominant inheritance. Affected: yes.

PreventionGenetics, part of Exact Sciences
Classification: Likely benign. Review status: criteria provided, single submitter. Criteria: ACMG Guidelines, 2015. Collection method: clinical testing. Allele origin: germline.

ITMI
No classification provided. Condition: AllHighlyPenetrant. Last evaluated: 2013-09-19. Review status: no classification provided. Collection method: reference population. Allele origin: germline. Not counted in ClinVar's aggregate classification.
Comment: Please see associated publication for description of ethnicities

Tuberous sclerosis database (TSC1)
No classification provided. Condition: TSC. Review status: no classification provided. Criteria: Tuberous Sclerosis Database Assertion Criteria 2015. Collection method: curation. Allele origin: germline. Affected: yes. Not counted in ClinVar's aggregate classification.

Literature cited by the submitters: PubMed 21309039 (cited by 3 submitters); PubMed 23857276 (cited by Ambry Genetics); PubMed 24728327 (cited by ITMI).

NM_000368.5(TSC1):c.250G>A (p.Ala84Thr)

Gene: TSC1 (TSC complex subunit 1; minus strand). Cytogenetic location: 9q34.13.
Variant type: single nucleotide variant.
Coding change: c.250G>A on transcript NM_000368.5 (MANE Select); coding-DNA position 250, G replaced by A.
Protein change: p.Ala84Thr; replaces alanine 84 with threonine.
Molecular consequence: missense variant. On other transcripts: 5 prime UTR variant (1), intron variant (1).
Genome position (GRCh38, 1-based): chr9:132,925,700, C>T on the plus strand (G>A on the coding strand, the complement: TSC1 is on the minus strand). VCF-style: chr9-132925700-C-T. GRCh37 (hg19) VCF-style: chr9-135801087-C-T.
Other names: c.250G>A, p.Ala84Thr (NM_001162426.2); c.-114G>A (NM_001362177.2); c.210+1501G>A (NM_001162427.2); short protein forms A84T.
Identifiers: ClinVar variation 48972 (VCV000048972.62), dbSNP rs118203357, ClinGen allele CA006597.